The following is an entry in ClinVar:

NM_001267550.2(TTN):c.17308A>G (p.Ile5770Val)

Genes: TTN (titin; minus strand), LOC126806431 (CDK7 strongly-dependent group 2 enhancer GRCh37_chr2:179595719-179596918; plus strand). Cytogenetic location: 2q31.2.
Variant type: single nucleotide variant.
Coding change: c.17308A>G on transcript NM_001267550.2 (MANE Select); coding-DNA position 17308, A replaced by G.
Protein change: p.Ile5770Val; replaces isoleucine 5770 with valine.
Molecular consequence: missense variant. On other transcripts: intron variant (3).
Genome position (GRCh38, 1-based): chr2:178,731,458, T>C on the plus strand (A>G on the coding strand, the complement: TTN is on the minus strand). VCF-style: chr2-178731458-T-C. GRCh37 (hg19) VCF-style: chr2-179596185-T-C.
Other names: c.16357A>G, p.Ile5453Val (NM_001256850.1); c.13576A>G, p.Ile4526Val (NM_133378.4); c.13282+6624A>G (NM_003319.4); c.13858+6624A>G (NM_133437.4); c.13657+6624A>G (NM_133432.3); short protein forms I4526V, I5453V, I5770V.
Identifiers: ClinVar variation 1315308 (VCV001315308.2), dbSNP rs2154309273, ClinGen allele CA349573801.

ClinVar aggregate classification (germline): Uncertain significance (1 of 4 stars; one submission).

Submission:

GeneDx
Classification: Uncertain significance. Last evaluated: 2020-02-05. Review status: criteria provided, single submitter. Criteria: GeneDx Variant Classification Process June 2021. Collection method: clinical testing. Allele origin: germline. Affected: yes.
Comment: Not observed in large population cohorts (Lek et al., 2016); Missense variant in a gene in which most reported pathogenic variants are truncating/loss-of-function; Has not been previously published as pathogenic or benign to our knowledge